The following is an entry in ClinVar:

ClinVar aggregate classification (germline): Uncertain significance (1 of 4 stars; one submission).

Submission:

Ambry Genetics
Classification: Uncertain significance. Last evaluated: 2022-07-17. Review status: criteria provided, single submitter. Criteria: Ambry Variant Classification Scheme 2023. Collection method: clinical testing. Allele origin: germline.
Comment: The p.K88N variant (also known as c.264A>C), located in coding exon 1 of the MNDA gene, results from an A to C substitution at nucleotide position 264. The lysine at codon 88 is replaced by asparagine, an amino acid with similar properties. This amino acid position is conserved. In addition, this alteration is predicted to be tolerated by in silico analysis. Since supporting evidence is limited at this time, the clinical significance of this alteration remains unclear.

NM_002432.3(MNDA):c.264A>C (p.Lys88Asn)

Gene: MNDA (myeloid cell nuclear differentiation antigen; plus strand). Cytogenetic location: 1q23.1.
Variant type: single nucleotide variant.
Coding change: c.264A>C on transcript NM_002432.3 (MANE Select); coding-DNA position 264, A replaced by C.
Protein change: p.Lys88Asn; replaces lysine 88 with asparagine.
Molecular consequence: missense variant.
Genome position (GRCh38, 1-based): chr1:158,842,417, A>C. VCF-style: chr1-158842417-A-C. GRCh37 (hg19) VCF-style: chr1-158812207-A-C.
Other names: short protein forms K88N.
Identifiers: ClinVar variation 1794287 (VCV001794287.2), dbSNP rs2526075797, ClinGen allele CA343037155.